The following is an entry in ClinVar:

ClinVar aggregate classification (germline): Conflicting classifications of pathogenicity. Review status: criteria provided, conflicting classifications (1 of 4 stars). 3 submissions from 3 submitters: Uncertain significance (1); Likely benign (2). Last evaluated 2025-09-23.

Conditions:
Inborn genetic diseases. Identifiers: MedGen C0950123, MeSH D030342.
Intellectual developmental disorder, autosomal dominant 1. Also called: Intellectual disability, autosomal dominant 1; MBD5 Haploinsufficiency. Identifiers: Orphanet 228402, MedGen C1969562, MONDO:0007974, OMIM 156200.

Allele frequency attached by ClinVar (database versions not stated): gnomAD 0.00003 and 0.00002; TOPMed 0.00003; gnomAD exomes below 0.00001 and 0.00002; ExAC 0.00002; ESP Exome Variant Server 0.00008.
gnomAD v4.1: 8 of 1,614,082 alleles (0.0005%); highest among the groups gnomAD compares: African/African-American, 0.0093%; no homozygotes.

Submissions (3):

Labcorp Genetics (formerly Invitae), Labcorp
Classification: Uncertain significance for Intellectual developmental disorder, autosomal dominant 1. Last evaluated: 2025-09-23. Review status: criteria provided, single submitter. Criteria: Invitae Variant Classification Sherloc (09022015). Collection method: clinical testing. Allele origin: germline.
Comment: This sequence change replaces tyrosine, which is neutral and polar, with cysteine, which is neutral and slightly polar, at codon 1333 of the MBD5 protein (p.Tyr1333Cys). This variant is present in population databases (rs373234696, gnomAD 0.01%). This variant has not been reported in the literature in individuals affected with MBD5-related conditions. ClinVar contains an entry for this variant (Variation ID: 853835). Experimental studies and prediction algorithms are not available or were not evaluated, and the functional significance of this variant is currently unknown. In summary, the available evidence is currently insufficient to determine the role of this variant in disease. Therefore, it has been classified as a Variant of Uncertain Significance.

Ambry Genetics
Classification: Likely benign for Inborn genetic diseases. Last evaluated: 2023-12-13. Review status: criteria provided, single submitter. Criteria: Ambry Variant Classification Scheme 2023. Collection method: clinical testing. Allele origin: germline.

GeneDx
Classification: Likely benign. Last evaluated: 2021-02-18. Review status: criteria provided, single submitter. Criteria: GeneDx Variant Classification Process June 2021. Collection method: clinical testing. Allele origin: germline. Affected: yes.

NM_001378120.1(MBD5):c.4697A>G (p.Tyr1566Cys)

Gene: MBD5 (methyl-CpG binding domain protein 5; plus strand). Cytogenetic location: 2q23.1.
Variant type: single nucleotide variant.
Coding change: c.4697A>G on transcript NM_001378120.1 (MANE Select); coding-DNA position 4697, A replaced by G.
Protein change: p.Tyr1566Cys; replaces tyrosine 1566 with cysteine.
Molecular consequence: missense variant.
Genome position (GRCh38, 1-based): chr2:148,490,329, A>G. VCF-style: chr2-148490329-A-G. GRCh37 (hg19) VCF-style: chr2-149247898-A-G.
Other names: c.3998A>G, p.Tyr1333Cys (NM_018328.5); short protein forms Y1333C, Y1566C.
Identifiers: ClinVar variation 853835 (VCV000853835.14), dbSNP rs373234696, ClinGen allele CA1900456.